The following is an entry in ClinVar:

ClinVar aggregate classification (germline): Likely pathogenic (1 of 4 stars; one submission).

Allele frequency attached by ClinVar (database versions not stated): ExAC 0.00001.
gnomAD v4.1: 1 of 1,614,024 alleles (0.000062%); no homozygotes.

Submission:

Labcorp Genetics (formerly Invitae), Labcorp
Classification: Likely pathogenic. Last evaluated: 2025-02-16. Review status: criteria provided, single submitter. Criteria: Invitae Variant Classification Sherloc (09022015). Collection method: clinical testing. Allele origin: germline.
Comment: This sequence change affects a donor splice site in intron 3 of the ARMC9 gene. It is expected to disrupt RNA splicing. Variants that disrupt the donor or acceptor splice site typically lead to a loss of protein function (PMID: 16199547), and loss-of-function variants in ARMC9 are known to be pathogenic (PMID: 28625504). This variant is present in population databases (rs757763630, gnomAD 0.006%). This variant has not been reported in the literature in individuals affected with ARMC9-related conditions. ClinVar contains an entry for this variant (Variation ID: 1917734). Algorithms developed to predict the effect of sequence changes on RNA splicing suggest that this variant may disrupt the consensus splice site. In summary, the currently available evidence indicates that the variant is pathogenic, but additional data are needed to prove that conclusively. Therefore, this variant has been classified as Likely Pathogenic.

Literature cited by the submitters: PubMed 16199547; PubMed 28625504.

NM_001352754.2(ARMC9):c.348+1G>A

Gene: ARMC9 (armadillo repeat containing 9; plus strand). Cytogenetic location: 2q37.1.
Variant type: single nucleotide variant.
Coding change: c.348+1G>A on transcript NM_001352754.2 (MANE Select); the canonical splice donor site of the intron after coding-DNA position 348, G replaced by A.
Molecular consequence: splice donor variant.
Genome position (GRCh38, 1-based): chr2:231,215,002, G>A. VCF-style: chr2-231215002-G-A. GRCh37 (hg19) VCF-style: chr2-232079715-G-A.
Other names: c.348+1G>A (NM_001271466.4, NM_001352755.2, NM_001352756.2 and 5 more transcripts).
Identifiers: ClinVar variation 1917734 (VCV001917734.5), dbSNP rs757763630, ClinGen allele CA2159902.